The following is an entry in ClinVar:

NM_000390.4(CHM):c.1670C>T (p.Ser557Leu)

Gene: CHM (CHM Rab escort protein; minus strand). Cytogenetic location: Xq21.2.
Variant type: single nucleotide variant.
Coding change: c.1670C>T on transcript NM_000390.4 (MANE Select); coding-DNA position 1670, C replaced by T.
Protein change: p.Ser557Leu; replaces serine 557 with leucine.
Molecular consequence: missense variant.
Genome position (GRCh38, 1-based): chrX:85,873,152, G>A on the plus strand (C>T on the coding strand, the complement: CHM is on the minus strand). VCF-style: chrX-85873152-G-A. GRCh37 (hg19) VCF-style: chrX-85128157-G-A.
Other names: c.1226C>T, p.Ser409Leu (NM_001320959.1, NM_001362517.1, NM_001362518.2 and 1 more transcripts); short protein forms S409L, S557L.
Identifiers: ClinVar variation 1061702 (VCV001061702.6), dbSNP rs775176173, ClinGen allele CA10465331.

ClinVar aggregate classification (germline): Uncertain significance (1 of 4 stars; one submission).

Allele frequency attached by ClinVar (database versions not stated): gnomAD exomes 0.00001; TOPMed 0.00001.
gnomAD v4.1: 6 of 1,205,212 alleles (0.0005%); highest among the groups gnomAD compares: South Asian, 0.0018%; no homozygotes.

Submission:

Labcorp Genetics (formerly Invitae), Labcorp
Classification: Uncertain significance. Last evaluated: 2022-03-19. Review status: criteria provided, single submitter. Criteria: Invitae Variant Classification Sherloc (09022015). Collection method: clinical testing. Allele origin: germline.
Comment: This sequence change replaces serine, which is neutral and polar, with leucine, which is neutral and non-polar, at codon 557 of the CHM protein (p.Ser557Leu). This variant is not present in population databases (gnomAD no frequency). This variant has not been reported in the literature in individuals affected with CHM-related conditions. ClinVar contains an entry for this variant (Variation ID: 1061702). Algorithms developed to predict the effect of missense changes on protein structure and function are either unavailable or do not agree on the potential impact of this missense change (SIFT: "Tolerated"; PolyPhen-2: "Probably Damaging"; Align-GVGD: "Class C0"). In summary, the available evidence is currently insufficient to determine the role of this variant in disease. Therefore, it has been classified as a Variant of Uncertain Significance.